The following is an entry in ClinVar:

NM_005559.4(LAMA1):c.4849A>G (p.Ile1617Val)

Gene: LAMA1 (laminin subunit alpha 1; minus strand). Cytogenetic location: 18p11.31.
Variant type: single nucleotide variant.
Coding change: c.4849A>G on transcript NM_005559.4 (MANE Select); coding-DNA position 4849, A replaced by G.
Protein change: p.Ile1617Val; replaces isoleucine 1617 with valine.
Molecular consequence: missense variant.
Genome position (GRCh38, 1-based): chr18:6,995,404, T>C on the plus strand (A>G on the coding strand, the complement: LAMA1 is on the minus strand). VCF-style: chr18-6995404-T-C. GRCh37 (hg19) VCF-style: chr18-6995403-T-C.
Other names: short protein forms I1617V.
Identifiers: ClinVar variation 3117379 (VCV003117379.3), dbSNP rs142117946, ClinGen allele CA8881776.
Genomic context (GRCh38, chr18:6,995,404, plus strand): 5'-GGAAAGAATTTACCTTCTTTTGCAGGTTGTCCGTTTCTTCTGCAACACCTTCAAGCTTAA[T>C]TTTTCCCAGGTCCTTTTGCATATTTTCTTTTAATAAAGATTCCTAGGAAGAATGGAGGAA-3'
Protein context (NP_005550.2, residues 1607-1627): KENMQKDLGK[Ile1617Val]KLEGVAEETD

ClinVar aggregate classification (germline): Conflicting classifications of pathogenicity. Review status: criteria provided, conflicting classifications (1 of 4 stars). 3 submissions from 3 submitters: Uncertain significance (2); Likely benign (1). Last evaluated 2024-10-09.

Conditions:
Inborn genetic diseases. Identifiers: MedGen C0950123, MeSH D030342.

Allele frequency attached by ClinVar (database versions not stated): gnomAD exomes 0.00002; ExAC 0.00007; ESP Exome Variant Server 0.00031; gnomAD 0.00038; TOPMed 0.00039.
gnomAD v4.1: 90 of 1,613,258 alleles (0.0056%); highest among the groups gnomAD compares: African/African-American, 0.1%; no homozygotes.

Submissions (3):

Blueprint Genetics
Classification: Likely benign. Last evaluated: 2024-10-09. Review status: criteria provided, single submitter. Criteria: ACMG Guidelines, 2015. Collection method: clinical testing. Allele origin: germline.

Ambry Genetics
Classification: Uncertain significance for Inborn genetic diseases. Last evaluated: 2024-01-16. Review status: criteria provided, single submitter. Criteria: Ambry Variant Classification Scheme 2023. Collection method: clinical testing. Allele origin: germline.

GeneDx
Classification: Uncertain significance. Last evaluated: 2023-06-20. Review status: criteria provided, single submitter. Criteria: GeneDx Variant Classification Process June 2021. Collection method: clinical testing. Allele origin: germline. Affected: yes.
Comment: In silico analysis supports that this missense variant does not alter protein structure/function; Has not been previously published as pathogenic or benign to our knowledge